The following is an entry in ClinVar:

ClinVar aggregate classification (germline): Uncertain significance. Review status: criteria provided, single submitter (1 of 4 stars). 2 submissions from 2 submitters: Uncertain significance (1). 1 of the submissions does not count toward it. Last evaluated 2025-02-07.

Allele frequency attached by ClinVar (database versions not stated): TOPMed 0.00002; gnomAD exomes 0.00001; gnomAD 0.00003.
gnomAD v4.1: 27 of 1,612,372 alleles (0.0017%); highest among the groups gnomAD compares: East Asian, 0.0089%; no homozygotes.

Submissions (2):

Ambry Genetics
Classification: Uncertain significance. Last evaluated: 2025-02-07. Review status: criteria provided, single submitter. Criteria: Ambry Variant Classification Scheme 2023. Collection method: clinical testing. Allele origin: germline.

Department of Pathology and Laboratory Medicine, Sinai Health System
Classification: Uncertain significance. Review status: no assertion criteria provided. Collection method: clinical testing. Allele origin: unknown. Affected: yes. Study: The Canadian Open Genetics Repository (COGR). Not counted in ClinVar's aggregate classification.
Comment: The PTPN13 p.Arg2279His variant was not identified in the literature nor was it identified in ClinVar, Cosmic or LOVD 3.0. The variant was identified in dbSNP (ID: rs372369069) and in control databases in 4 of 280374 chromosomes at a frequency of 0.000014 (Genome Aggregation Database Feb 27, 2017). The variant was observed in the following populations: East Asian in 3 of 19522 chromosomes (freq: 0.000154) and Latino in 1 of 35344 chromosomes (freq: 0.000028), but was not observed in the African, Ashkenazi Jewish, European (Finnish), European (non-Finnish), Other or South Asian populations. The p.Arg2279 residue is not conserved in mammals and computational analyses (PolyPhen-2, SIFT, AlignGVGD, BLOSUM, MutationTaster) do not suggest a high likelihood of impact to the protein; however, this information is not predictive enough to rule out pathogenicity. The variant occurs outside of the splicing consensus sequence and in silico or computational prediction software programs (SpliceSiteFinder, MaxEntScan, NNSPLICE, GeneSplicer) do not predict a difference in splicing. In summary, based on the above information the clinical significance of this variant cannot be determined with certainty at this time. This variant is classified as a variant of uncertain significance.

NM_080683.3(PTPN13):c.7409G>A (p.Arg2470His)

Gene: PTPN13 (protein tyrosine phosphatase non-receptor type 13; plus strand). Cytogenetic location: 4q21.3.
Variant type: single nucleotide variant.
Coding change: c.7409G>A on transcript NM_080683.3 (MANE Select); coding-DNA position 7409, G replaced by A.
Protein change: p.Arg2470His; replaces arginine 2470 with histidine.
Molecular consequence: missense variant.
Genome position (GRCh38, 1-based): chr4:86,814,502, G>A. VCF-style: chr4-86814502-G-A. GRCh37 (hg19) VCF-style: chr4-87735655-G-A.
Other names: c.7352G>A, p.Arg2451His (NM_006264.3); c.6836G>A, p.Arg2279His (NM_080684.3); c.7424G>A, p.Arg2475His (NM_080685.3); c.7424G>A (NM_080685.2); short protein forms R2279H, R2451H, R2470H, R2475H.
Identifiers: ClinVar variation 1049332 (VCV001049332.2), dbSNP rs372369069, ClinGen allele CA100747026.